The following is an entry in ClinVar:

ClinVar aggregate classification (germline): Uncertain significance (1 of 4 stars; one submission).

Allele frequency attached by ClinVar (database versions not stated): gnomAD exomes below 0.00001; ESP Exome Variant Server 0.00008.
gnomAD v4.1: 4 of 1,614,160 alleles (0.00025%); highest among the groups gnomAD compares: Non-Finnish European, 0.00034%; no homozygotes.

Submission:

Labcorp Genetics (formerly Invitae), Labcorp
Classification: Uncertain significance. Last evaluated: 2021-11-28. Review status: criteria provided, single submitter. Criteria: Invitae Variant Classification Sherloc (09022015). Collection method: clinical testing. Allele origin: germline.
Comment: This sequence change replaces isoleucine, which is neutral and non-polar, with valine, which is neutral and non-polar, at codon 41 of the SCNN1B protein (p.Ile41Val). This variant is not present in population databases (gnomAD no frequency). In summary, the available evidence is currently insufficient to determine the role of this variant in disease. Therefore, it has been classified as a Variant of Uncertain Significance. Algorithms developed to predict the effect of missense changes on protein structure and function are either unavailable or do not agree on the potential impact of this missense change (SIFT: "Deleterious"; PolyPhen-2: "Probably Damaging"; Align-GVGD: "Class C0"). This variant has not been reported in the literature in individuals affected with SCNN1B-related conditions.

NM_000336.3(SCNN1B):c.121A>G (p.Ile41Val)

Gene: SCNN1B (sodium channel epithelial 1 subunit beta; plus strand). Cytogenetic location: 16p12.2.
Variant type: single nucleotide variant.
Coding change: c.121A>G on transcript NM_000336.3 (MANE Select); coding-DNA position 121, A replaced by G.
Protein change: p.Ile41Val; replaces isoleucine 41 with valine.
Molecular consequence: missense variant.
Genome position (GRCh38, 1-based): chr16:23,348,720, A>G. VCF-style: chr16-23348720-A-G. GRCh37 (hg19) VCF-style: chr16-23360041-A-G.
Other names: short protein forms I41V.
Identifiers: ClinVar variation 1417002 (VCV001417002.6), dbSNP rs146431954, ClinGen allele CA279516273.